The following is an entry in ClinVar:

NM_006612.6(KIF1C):c.352A>C (p.Ile118Leu)

Gene: KIF1C (kinesin family member 1C; plus strand). Cytogenetic location: 17p13.2.
Variant type: single nucleotide variant.
Coding change: c.352A>C on transcript NM_006612.6 (MANE Select); coding-DNA position 352, A replaced by C.
Protein change: p.Ile118Leu; replaces isoleucine 118 with leucine.
Molecular consequence: missense variant.
Genome position (GRCh38, 1-based): chr17:5,001,390, A>C. VCF-style: chr17-5001390-A-C. GRCh37 (hg19) VCF-style: chr17-4904685-A-C.
Other names: short protein forms I118L.
Identifiers: ClinVar variation 663783 (VCV000663783.6), dbSNP rs757847238, ClinGen allele CA8318509.

ClinVar aggregate classification (germline): Uncertain significance (1 of 4 stars; one submission).

Conditions:
Spastic ataxia 2. Also called: Ataxia, spastic, 2, autosomal recessive. Identifiers: Orphanet 397946, MedGen C1969796, MONDO:0012651, OMIM 611302.

Allele frequency attached by ClinVar (database versions not stated): ExAC 0.00001; gnomAD 0.00003; gnomAD exomes 0.00004; TOPMed 0.00004.
gnomAD v4.1: 30 of 1,613,950 alleles (0.0019%); highest among the groups gnomAD compares: Middle Eastern, 0.066%; no homozygotes.

Submission:

Labcorp Genetics (formerly Invitae), Labcorp
Classification: Uncertain significance for Spastic ataxia 2. Last evaluated: 2021-08-27. Review status: criteria provided, single submitter. Criteria: Invitae Variant Classification Sherloc (09022015). Collection method: clinical testing. Allele origin: germline.
Comment: This sequence change replaces isoleucine with leucine at codon 118 of the KIF1C protein (p.Ile118Leu). The isoleucine residue is highly conserved and there is a small physicochemical difference between isoleucine and leucine. This variant is present in population databases (rs757847238, ExAC 0.002%). This variant has not been reported in the literature in individuals affected with KIF1C-related conditions. Algorithms developed to predict the effect of missense changes on protein structure and function (SIFT, PolyPhen-2, Align-GVGD) all suggest that this variant is likely to be tolerated. In summary, the available evidence is currently insufficient to determine the role of this variant in disease. Therefore, it has been classified as a Variant of Uncertain Significance.